The following is an entry in ClinVar:

ClinVar aggregate classification (germline): Uncertain significance (1 of 4 stars; one submission).

Conditions:
Cardiovascular phenotype. Identifiers: MedGen CN230736.

Submission:

Ambry Genetics
Classification: Uncertain significance for Cardiovascular phenotype. Last evaluated: 2021-07-30. Review status: criteria provided, single submitter. Criteria: Ambry Variant Classification Scheme 2023. Collection method: clinical testing. Allele origin: germline.
Comment: The p.R169L variant (also known as c.506G>T), located in coding exon 5 of the EFEMP2 gene, results from a G to T substitution at nucleotide position 506. The arginine at codon 169 is replaced by leucine, an amino acid with dissimilar properties. This amino acid position is conserved. In addition, this alteration is predicted to be deleterious by in silico analysis. Since supporting evidence is limited at this time, the clinical significance of this alteration remains unclear.

NM_016938.5(EFEMP2):c.506G>T (p.Arg169Leu)

Gene: EFEMP2 (EGF containing fibulin extracellular matrix protein 2; minus strand). Cytogenetic location: 11q13.1.
Variant type: single nucleotide variant.
Coding change: c.506G>T on transcript NM_016938.5 (MANE Select); coding-DNA position 506, G replaced by T.
Protein change: p.Arg169Leu; replaces arginine 169 with leucine.
Molecular consequence: missense variant. On other transcripts: non-coding transcript variant (1).
Genome position (GRCh38, 1-based): chr11:65,870,222, C>A on the plus strand (G>T on the coding strand, the complement: EFEMP2 is on the minus strand). VCF-style: chr11-65870222-C-A. GRCh37 (hg19) VCF-style: chr11-65637693-C-A.
Other names: short protein forms R169L.
Identifiers: ClinVar variation 1745151 (VCV001745151.2), dbSNP rs141310608, ClinGen allele CA381361273.